The following is an entry in ClinVar:

ClinVar aggregate classification (germline): Uncertain significance (1 of 4 stars; one submission).

Conditions:
Inborn genetic diseases. Identifiers: MedGen C0950123, MeSH D030342.

Allele frequency attached by ClinVar (database versions not stated): 1000 Genomes Project 30x 0.00031; TOPMed 0.00005; gnomAD exomes 0.00007; ExAC 0.00008; 1000 Genomes Project 0.00020; gnomAD 0.00005.
gnomAD v4.1: 24 of 1,606,336 alleles (0.0015%); highest among the groups gnomAD compares: East Asian, 0.051%; no homozygotes.

Submission:

Ambry Genetics
Classification: Uncertain significance for Hereditary disease. Last evaluated: 2017-03-30. Review status: criteria provided, single submitter. Criteria: ambry_reporting_categories_2017. Collection method: clinical testing. Allele origin: germline. Affected: yes. Observed: 1 heterozygote. Segregation with disease observed.
Comment: Lines of evidence used in support of classification: UNCERTAIN: Alteration(s) of Uncertain Clinical Significance Detected

Literature cited by the submitters: PubMed 23178126; PubMed 22495306; PubMed 19131338; PubMed 27540107; PubMed 26795593.

NM_022095.4(ZNF335):c.1214A>C (p.Lys405Thr)

Gene: ZNF335 (zinc finger protein 335; minus strand). Cytogenetic location: 20q13.12.
Variant type: single nucleotide variant.
Coding change: c.1214A>C on transcript NM_022095.4 (MANE Select); coding-DNA position 1214, A replaced by C.
Protein change: p.Lys405Thr; replaces lysine 405 with threonine.
Molecular consequence: missense variant.
Genome position (GRCh38, 1-based): chr20:45,963,879, T>G on the plus strand (A>C on the coding strand, the complement: ZNF335 is on the minus strand). VCF-style: chr20-45963879-T-G. GRCh37 (hg19) VCF-style: chr20-44592518-T-G.
Other names: short protein forms K405T.
Identifiers: ClinVar variation 521496 (VCV000521496.3), dbSNP rs546293961, ClinGen allele CA9885803.